The following is an entry in ClinVar:

ClinVar aggregate classification (germline): Likely pathogenic. Review status: criteria provided, multiple submitters, no conflicts (2 of 4 stars). 2 submissions from 2 submitters: Likely pathogenic (2). Last evaluated 2022-11-08.

Conditions:
Hereditary cancer-predisposing syndrome. Also called: Neoplastic Syndromes, Hereditary; Tumor predisposition; Hereditary neoplastic syndrome; Hereditary Cancer Syndrome. Identifiers: Orphanet 140162, MedGen C0027672, MeSH D009386, MONDO:0015356.
Fanconi anemia complementation group J. Also called: BRIP1-Related Fanconi Anemia. Identifiers: Orphanet 84, MedGen C1836860, MONDO:0012187, OMIM 609054.
Familial cancer of breast. Also called: BREAST CANCER, FAMILIAL; Hereditary breast cancer; hereditary breast carcinoma. Identifiers: Orphanet 227535, MedGen C0346153, MONDO:0016419, OMIM 114480. Disease mechanism: loss of function.

Submissions (2):

Color Diagnostics, LLC DBA Color Health
Classification: Likely pathogenic for Hereditary cancer-predisposing syndrome. Last evaluated: 2022-11-08. Review status: criteria provided, single submitter. Criteria: ACMG Guidelines, 2015. Collection method: clinical testing. Allele origin: germline.
Comment: This variant causes a T to C nucleotide substitution at the +2 position of intron 4 of the BRIP1 gene. Splice site prediction tools predict that this variant may have a significant impact on RNA splicing. Although functional RNA studies have not been reported for this variant, it is expected to result in an absent or non-functional protein product. This variant has not been reported in individuals affected with BRIP1-related disorders in the literature. This variant has not been identified in the general population by the Genome Aggregation Database (gnomAD). A different variant that affects the same splice donor site, c.379+1G>T, has been observed in an individual with ovarian cancer (PMID: 26315354). Loss of BRIP1 function is a known mechanism of disease. Based on the available evidence, this variant is classified as Likely Pathogenic.

Labcorp Genetics (formerly Invitae), Labcorp
Classification: Likely pathogenic for Familial cancer of breast; Fanconi anemia complementation group J. Last evaluated: 2021-07-31. Review status: criteria provided, single submitter. Criteria: Invitae Variant Classification Sherloc (09022015). Collection method: clinical testing. Allele origin: germline.
Comment: In summary, the currently available evidence indicates that the variant is pathogenic, but additional data are needed to prove that conclusively. Therefore, this variant has been classified as Likely Pathogenic. Algorithms developed to predict the effect of sequence changes on RNA splicing suggest that this variant may disrupt the consensus splice site. Disruption of this splice site has been observed in individual(s) with ovarian cancer (PMID: 26315354). This variant is not present in population databases (ExAC no frequency). This sequence change affects a donor splice site in intron 4 of the BRIP1 gene. It is expected to disrupt RNA splicing. Variants that disrupt the donor or acceptor splice site typically lead to a loss of protein function (PMID: 16199547), and loss-of-function variants in BRIP1 are known to be pathogenic (PMID: 16116423, 17033622, 21964575).

Literature cited by the submitters: PubMed 26315354 (cited by Color Diagnostics, LLC DBA Color Health and Labcorp Genetics (formerly Invitae), Labcorp); PubMed 16199547 (cited by Labcorp Genetics (formerly Invitae), Labcorp); PubMed 16116423 (cited by Labcorp Genetics (formerly Invitae), Labcorp); PubMed 17033622 (cited by Labcorp Genetics (formerly Invitae), Labcorp); PubMed 21964575 (cited by Labcorp Genetics (formerly Invitae), Labcorp).

NM_032043.3(BRIP1):c.379+2T>C

Gene: BRIP1 (BRCA1 interacting DNA helicase 1; minus strand). Cytogenetic location: 17q23.2.
Variant type: single nucleotide variant.
Coding change: c.379+2T>C on transcript NM_032043.3 (MANE Select); the canonical splice donor site of the intron after coding-DNA position 379, T replaced by C.
Molecular consequence: splice donor variant.
Genome position (GRCh38, 1-based): chr17:61,857,056, A>G on the plus strand (T>C on the coding strand, the complement: BRIP1 is on the minus strand). VCF-style: chr17-61857056-A-G. GRCh37 (hg19) VCF-style: chr17-59934417-A-G.
Identifiers: ClinVar variation 1493777 (VCV001493777.9), dbSNP rs2145825816, ClinGen allele CA400485255.